The following is an entry in ClinVar:

ClinVar aggregate classification (germline): Pathogenic (1 of 4 stars; one submission).

Conditions:
Werner syndrome (WRN). Identifiers: Orphanet 902, MedGen C0043119, MONDO:0010196, OMIM 277700.

Submission:

Labcorp Genetics (formerly Invitae), Labcorp
Classification: Pathogenic for Werner syndrome. Last evaluated: 2023-10-20. Review status: criteria provided, single submitter. Criteria: Invitae Variant Classification Sherloc (09022015). Collection method: clinical testing. Allele origin: germline.
Comment: This sequence change creates a premature translational stop signal (p.Asn457Lysfs*7) in the WRN gene. It is expected to result in an absent or disrupted protein product. Loss-of-function variants in WRN are known to be pathogenic (PMID: 16673358). This variant is not present in population databases (gnomAD no frequency). This variant has not been reported in the literature in individuals affected with WRN-related conditions. ClinVar contains an entry for this variant (Variation ID: 1365621). Algorithms developed to predict the effect of sequence changes on RNA splicing suggest that this variant may disrupt the consensus splice site. For these reasons, this variant has been classified as Pathogenic.

Literature cited by the submitters: PubMed 16673358.

NM_000553.6(WRN):c.1371_1374del (p.Asn457fs)

Gene: WRN (WRN RecQ like helicase; plus strand). Cytogenetic location: 8p12.
Variant type: Deletion.
Coding change: c.1371_1374del on transcript NM_000553.6 (MANE Select); coding-DNA positions 1371 to 1374, 4 bases deleted (TGAA; older notation c.1371_1374delTGAA).
Protein change: p.Asn457fs; shifts the reading frame from asparagine 457.
Molecular consequence: frameshift variant.
Genome position (GRCh38, 1-based): chr8:31,085,186-31,085,189, TGAA deleted; deleting any 4 consecutive bases within chr8:31,085,184-31,085,189 gives the same sequence; the c. name uses the placement nearest the transcript's 3' end. VCF-style (leftmost placement, unchanged base first): chr8-31085183-TAATG-T. GRCh37 (hg19) VCF-style: chr8-30942699-TAATG-T.
Other names: short protein forms N457fs.
Identifiers: ClinVar variation 1365621 (VCV001365621.6), dbSNP rs2130140311, ClinGen allele CA2573142716.